The following is an entry in ClinVar:

NM_203447.4(DOCK8):c.760del (p.Arg254fs)

Gene: DOCK8 (dedicator of cytokinesis 8; plus strand). Cytogenetic location: 9p24.3.
Variant type: Deletion.
Coding change: c.760del on transcript NM_203447.4 (MANE Select); coding-DNA position 760, one base deleted (C; older notation c.760delC).
Protein change: p.Arg254fs; shifts the reading frame from arginine 254.
Molecular consequence: frameshift variant.
Genome position (GRCh38, 1-based): chr9:317,061, C deleted. VCF-style (leftmost placement, unchanged base first): chr9-317060-AC-A. GRCh37 (hg19) VCF-style: chr9-317060-AC-A.
Other names: c.556del, p.Arg186fs (NM_001190458.2, NM_001193536.2); short protein forms R254fs, R186fs.
Identifiers: ClinVar variation 1390481 (VCV001390481.6), dbSNP rs2130746906, ClinGen allele CA2573144449.

ClinVar aggregate classification (germline): Pathogenic (1 of 4 stars; one submission).

Conditions:
Combined immunodeficiency due to DOCK8 deficiency (HIES2). Also called: HIES autosomal recessive; Hyper-IgE recurrent infection syndrome, autosomal recessive; HYPER-IgE RECURRENT INFECTION SYNDROME 2, AUTOSOMAL RECESSIVE; HYPER-IgE SYNDROME 2, AUTOSOMAL RECESSIVE, WITH RECURRENT INFECTIONS; DOCK8 Deficiency. Identifiers: Orphanet 217390, MedGen C4722305, MONDO:0009478, OMIM 243700.

Submission:

Labcorp Genetics (formerly Invitae), Labcorp
Classification: Pathogenic for Combined immunodeficiency due to DOCK8 deficiency. Last evaluated: 2026-01-27. Review status: criteria provided, single submitter. Criteria: Invitae Variant Classification Sherloc (09022015). Collection method: clinical testing. Allele origin: germline.
Comment: This sequence change creates a premature translational stop signal (p.Arg254Valfs*20) in the DOCK8 gene. It is expected to result in an absent or disrupted protein product. Loss-of-function variants in DOCK8 are known to be pathogenic (PMID: 14722525, 19776401). This variant is not present in population databases (gnomAD no frequency). This premature translational stop signal has been observed in individual(s) with DOCK8-related conditions (PMID: 38351896). ClinVar contains an entry for this variant (Variation ID: 1390481). For these reasons, this variant has been classified as Pathogenic.

Literature cited by the submitters: PubMed 14722525; PubMed 19776401; PubMed 38351896.